The following is an entry in ClinVar:

NM_000061.3(BTK):c.1185G>A (p.Trp395Ter)

Gene: BTK (Bruton tyrosine kinase; minus strand). Cytogenetic location: Xq22.1.
Variant type: single nucleotide variant.
Coding change: c.1185G>A on transcript NM_000061.3 (MANE Select); coding-DNA position 1185, G replaced by A.
Protein change: p.Trp395Ter; replaces tryptophan 395 with a stop codon.
Molecular consequence: nonsense. On other transcripts: intron variant (1).
Genome position (GRCh38, 1-based): chrX:101,356,948, C>T on the plus strand (G>A on the coding strand, the complement: BTK is on the minus strand). VCF-style: chrX-101356948-C-T. GRCh37 (hg19) VCF-style: chrX-100611936-C-T.
Other names: c.1287G>A, p.Trp429Ter (NM_001287344.2); c.1038+1426G>A (NM_001287345.2); short protein forms W395*, W429*.
Identifiers: ClinVar variation 424170 (VCV000424170.2), dbSNP rs1064796836, ClinGen allele CA16621157.

ClinVar aggregate classification (germline): Pathogenic (1 of 4 stars; one submission).

Submission:

GeneDx
Classification: Pathogenic. Last evaluated: 2017-03-06. Review status: criteria provided, single submitter. Criteria: GeneDx Variant Classification (06012015). Collection method: clinical testing. Allele origin: germline. Affected: yes.
Comment: The W395X nonsense variant in the BTK gene has been reported previously in association with X-linked agammaglobulinemia (Gofshteyn et al., 2016). This variant is predicted to cause loss of normal protein function either through protein truncation or nonsense-mediated mRNA decay. The variant is not observed in large population cohorts (Lek et al., 2016; 1000 Genomes Consortium et al., 2015; Exome Variant Server). In summary, we consider this variant to be pathogenic.